The following is an entry in ClinVar:

ClinVar aggregate classification (germline): Uncertain significance (1 of 4 stars; one submission).

Allele frequency attached by ClinVar (database versions not stated): TOPMed 0.00003; gnomAD exomes 0.00004; ExAC 0.00006; gnomAD 0.00007.
gnomAD v4.1: 61 of 1,614,098 alleles (0.0038%); highest among the groups gnomAD compares: East Asian, 0.0089%; no homozygotes.

Submission:

Labcorp Genetics (formerly Invitae), Labcorp
Classification: Uncertain significance. Last evaluated: 2025-11-04. Review status: criteria provided, single submitter. Criteria: Invitae Variant Classification Sherloc (09022015). Collection method: clinical testing. Allele origin: germline.
Comment: This sequence change replaces arginine, which is basic and polar, with cysteine, which is neutral and slightly polar, at codon 2248 of the VPS13D protein (p.Arg2248Cys). This variant is present in population databases (rs752157609, gnomAD 0.03%). This variant has not been reported in the literature in individuals affected with VPS13D-related conditions. ClinVar contains an entry for this variant (Variation ID: 2711823). Invitae Evidence Modeling of protein sequence and biophysical properties (such as structural, functional, and spatial information, amino acid conservation, physicochemical variation, residue mobility, and thermodynamic stability) indicates that this missense variant is expected to disrupt VPS13D protein function with a positive predictive value of 80%. In summary, the available evidence is currently insufficient to determine the role of this variant in disease. Therefore, it has been classified as a Variant of Uncertain Significance.

NM_015378.4(VPS13D):c.6742C>T (p.Arg2248Cys)

Gene: VPS13D (vacuolar protein sorting 13 homolog D; plus strand). Cytogenetic location: 1p36.22.
Variant type: single nucleotide variant.
Coding change: c.6742C>T on transcript NM_015378.4 (MANE Select); coding-DNA position 6742, C replaced by T.
Protein change: p.Arg2248Cys; replaces arginine 2248 with cysteine.
Molecular consequence: missense variant.
Genome position (GRCh38, 1-based): chr1:12,311,545, C>T. VCF-style: chr1-12311545-C-T. GRCh37 (hg19) VCF-style: chr1-12371602-C-T.
Other names: c.6742C>T, p.Arg2248Cys (NM_018156.4); short protein forms R2248C.
Identifiers: ClinVar variation 2711823 (VCV002711823.3), dbSNP rs752157609, ClinGen allele CA602679.